The following is an entry in ClinVar:

ClinVar aggregate classification (germline): Benign. Review status: criteria provided, multiple submitters, no conflicts (2 of 4 stars). 10 submissions from 10 submitters: Benign (8). 2 of the submissions do not count toward it. Last evaluated 2026-02-04.

Conditions:
MEGF10-related myopathy (CMYO10A). Also called: Congenital myopathy 10A, severe variant. Identifiers: Orphanet 439212, MedGen C3280679, MONDO:0013731, OMIM 614399.

Allele frequency attached by ClinVar (database versions not stated): 1000 Genomes Project 30x 0.37758; 1000 Genomes Project 0.37800; TOPMed 0.46626; gnomAD 0.48114 and 0.48209; ESP Exome Variant Server 0.49339; ExAC 0.52751; gnomAD exomes 0.52847.
gnomAD v4.1: 927,025 of 1,613,440 alleles (57%); highest among the groups gnomAD compares: Middle Eastern, 64%; 275,549 homozygotes.

Submissions (10):

Labcorp Genetics (formerly Invitae), Labcorp
Classification: Benign for MEGF10-related myopathy. Last evaluated: 2026-02-04. Review status: criteria provided, single submitter. Criteria: Invitae Variant Classification Sherloc (09022015). Collection method: clinical testing. Allele origin: germline.

Blueprint Genetics
Classification: Benign. Last evaluated: 2024-11-26. Review status: criteria provided, single submitter. Criteria: ACMG Guidelines, 2015. Collection method: clinical testing. Allele origin: germline.

Genome-Nilou Lab
Classification: Benign for MEGF10-related myopathy. Last evaluated: 2021-09-05. Review status: criteria provided, single submitter. Criteria: ACMG Guidelines, 2015. Collection method: clinical testing. Allele origin: germline. Affected: no.

Illumina Laboratory Services, Illumina
Classification: Benign for MEGF10-related myopathy. Last evaluated: 2018-01-13. Review status: criteria provided, single submitter. Criteria: ICSL Variant Classification Criteria 13 December 2019. Collection method: clinical testing. Allele origin: germline.
Comment: This variant was observed in the ICSL laboratory as part of a predisposition screen in an ostensibly healthy population. It had not been previously curated by ICSL or reported in the Human Gene Mutation Database (HGMD: prior to June 1st, 2018), and was therefore a candidate for classification through an automated scoring system. Utilizing variant allele frequency, disease prevalence and penetrance estimates, and inheritance mode, an automated score was calculated to assess if this variant is too frequent to cause the disease. Based on the score and internal cut-off values, a variant classified as benign is not then subjected to further curation. The score for this variant resulted in a classification of benign for this disease.

Mayo Clinic Laboratories, Mayo Clinic
Classification: Benign. Last evaluated: 2017-07-24. Review status: criteria provided, single submitter. Criteria: ACMG Guidelines, 2015. Collection method: clinical testing. Allele origin: germline. Observed: 373 variant alleles.

Laboratory for Molecular Medicine, Mass General Brigham Personalized Medicine
Classification: Benign. Last evaluated: 2016-03-29. Review status: criteria provided, single submitter. Criteria: LMM Criteria. Collection method: clinical testing. Allele origin: germline.
Comment: Variant identified in a genome or exome case(s) and assessed due to predicted null impact of the variant or pathogenic assertions in the literature or databases. Disclaimer: This variant has not undergone full assessment. The following are preliminary notes: 53% of total chromosomes in ExAC

GeneDx
Classification: Benign. Last evaluated: 2016-01-25. Review status: criteria provided, single submitter. Criteria: GeneDx Variant Classification (06012015). Collection method: clinical testing. Allele origin: germline. Affected: yes.
Comment: This variant is considered likely benign or benign based on one or more of the following criteria: it is a conservative change, it occurs at a poorly conserved position in the protein, it is predicted to be benign by multiple in silico algorithms, and/or has population frequency not consistent with disease.

PreventionGenetics, part of Exact Sciences
Classification: Benign. Review status: criteria provided, single submitter. Criteria: ACMG Guidelines, 2015. Collection method: clinical testing. Allele origin: germline.

Diagnostic Laboratory, Department of Genetics, University Medical Center Groningen
Classification: Benign. Review status: no assertion criteria provided. Collection method: clinical testing. Allele origin: germline. Affected: yes. Study: VKGL Data-share Consensus. Not counted in ClinVar's aggregate classification.

Joint Genome Diagnostic Labs from Nijmegen and Maastricht, Radboudumc and MUMC+
Classification: Benign. Review status: no assertion criteria provided. Collection method: clinical testing. Allele origin: germline. Affected: yes. Study: VKGL Data-share Consensus. Not counted in ClinVar's aggregate classification.

NM_001256545.2(MEGF10):c.3387T>A (p.Gly1129=)

Gene: MEGF10 (multiple EGF like domains 10; plus strand). Cytogenetic location: 5q23.2.
Variant type: single nucleotide variant.
Coding change: c.3387T>A on transcript NM_001256545.2 (MANE Select); coding-DNA position 3387, T replaced by A.
Protein change: p.Gly1129=; no amino-acid change (glycine 1129 retained).
Molecular consequence: synonymous variant.
Genome position (GRCh38, 1-based): chr5:127,457,282, T>A. VCF-style: chr5-127457282-T-A. GRCh37 (hg19) VCF-style: chr5-126792974-T-A.
Other names: p.Gly1129=; c.3387T>A, p.Gly1129= (NM_032446.3).
Identifiers: ClinVar variation 262076 (VCV000262076.32), dbSNP rs3812052, ClinGen allele CA3392203.